The following is an entry in ClinVar:

NM_144666.3(DNHD1):c.12860G>A (p.Arg4287His)

Gene: DNHD1 (dynein heavy chain domain 1; plus strand). Cytogenetic location: 11p15.4.
Variant type: single nucleotide variant.
Coding change: c.12860G>A on transcript NM_144666.3 (MANE Select); coding-DNA position 12860, G replaced by A.
Protein change: p.Arg4287His; replaces arginine 4287 with histidine.
Molecular consequence: missense variant.
Genome position (GRCh38, 1-based): chr11:6,568,863, G>A. VCF-style: chr11-6568863-G-A. GRCh37 (hg19) VCF-style: chr11-6590093-G-A.
Other names: short protein forms R4287H.
Identifiers: ClinVar variation 4661517 (VCV004661517.1).
Genomic context (GRCh38, chr11:6,568,863, plus strand): 5'-TCCATGGCCTCCTGCTACACCGGCAGCTCTATGGAACAAGGCTGCAGGCACACAGGGGGC[G>A]CTGGTGAGGGACCCCCACCCATTCCTGCTCAGTCAATCACTCAACAAACATTGAGTATCT-3'
Protein context (NP_653267.2, residues 4277-4297): YGTRLQAHRG[Arg4287His]WSQVTLTQVL

ClinVar aggregate classification (germline): Uncertain significance (1 of 4 stars; one submission).

gnomAD v4.1: 13 of 1,606,736 alleles (0.00081%); highest among the groups gnomAD compares: Admixed American, 0.0051%; no homozygotes.

Submission:

Ambry Genetics
Classification: Uncertain significance. Last evaluated: 2025-10-22. Review status: criteria provided, single submitter. Criteria: Ambry Variant Classification Scheme 2023. Collection method: clinical testing. Allele origin: germline.
Comment: The c.12860G>A (p.R4287H) alteration is located in exon 39 (coding exon 37) of the DNHD1 gene. This alteration results from a G to A substitution at nucleotide position 12860, causing the arginine (R) at amino acid position 4287 to be replaced by a histidine (H). Based on data from gnomAD, the A allele has an overall frequency of 0.004% (9/234372) total alleles studied. The highest observed frequency was 0.009% (3/33420) of Latino alleles. Based on insufficient or conflicting evidence, the clinical significance of this alteration remains unclear.